The following is an entry in ClinVar:

NM_000883.4(IMPDH1):c.837G>T (p.Leu279Phe)

Gene: IMPDH1 (inosine monophosphate dehydrogenase 1; minus strand). Cytogenetic location: 7q32.1.
Variant type: single nucleotide variant.
Coding change: c.837G>T on transcript NM_000883.4 (MANE Select); coding-DNA position 837, G replaced by T.
Protein change: p.Leu279Phe; replaces leucine 279 with phenylalanine.
Molecular consequence: missense variant.
Genome position (GRCh38, 1-based): chr7:128,400,132, C>A on the plus strand (G>T on the coding strand, the complement: IMPDH1 is on the minus strand). VCF-style: chr7-128400132-C-A. GRCh37 (hg19) VCF-style: chr7-128040186-C-A.
Other names: c.807G>T, p.Leu269Phe (NM_001102605.2); c.582G>T, p.Leu194Phe (NM_001142573.2); c.567G>T, p.Leu189Phe (NM_001142574.2); c.507G>T, p.Leu169Phe (NM_001142575.2); c.738G>T, p.Leu246Phe (NM_001142576.2); c.630G>T, p.Leu210Phe (NM_001304521.2); c.729G>T, p.Leu243Phe (NM_183243.3); short protein forms L210F, L169F, L269F, L279F, L189F, L194F, L243F, L246F.
Identifiers: ClinVar variation 2097654 (VCV002097654.4), dbSNP rs2535761508, ClinGen allele CA369171954.

ClinVar aggregate classification (germline): Uncertain significance (1 of 4 stars; one submission).

Submission:

Labcorp Genetics (formerly Invitae), Labcorp
Classification: Uncertain significance. Last evaluated: 2022-10-25. Review status: criteria provided, single submitter. Criteria: Invitae Variant Classification Sherloc (09022015). Collection method: clinical testing. Allele origin: germline.
Comment: This variant is not present in population databases (gnomAD no frequency). In summary, the available evidence is currently insufficient to determine the role of this variant in disease. Therefore, it has been classified as a Variant of Uncertain Significance. This variant disrupts the p.Leu279 amino acid residue in IMPDH1. Other variant(s) that disrupt this residue have been observed in individuals with IMPDH1-related conditions (PMID: 31630094, 33921607), which suggests that this may be a clinically significant amino acid residue. Algorithms developed to predict the effect of missense changes on protein structure and function are either unavailable or do not agree on the potential impact of this missense change (SIFT: "Tolerated"; PolyPhen-2: "Possibly Damaging"; Align-GVGD: "Class C0"). This variant has not been reported in the literature in individuals affected with IMPDH1-related conditions. This sequence change replaces leucine, which is neutral and non-polar, with phenylalanine, which is neutral and non-polar, at codon 279 of the IMPDH1 protein (p.Leu279Phe).

Literature cited by the submitters: PubMed 31630094; PubMed 33921607.